The following is an entry in ClinVar:

NM_030912.3(TRIM8):c.1324C>G (p.Pro442Ala)

Gene: TRIM8 (tripartite motif containing 8; plus strand). Cytogenetic location: 10q24.32.
Variant type: single nucleotide variant.
Coding change: c.1324C>G on transcript NM_030912.3 (MANE Select); coding-DNA position 1324, C replaced by G.
Protein change: p.Pro442Ala; replaces proline 442 with alanine.
Molecular consequence: missense variant. On other transcripts: non-coding transcript variant (1).
Genome position (GRCh38, 1-based): chr10:102,657,022, C>G. VCF-style: chr10-102657022-C-G. GRCh37 (hg19) VCF-style: chr10-104416779-C-G.
Other names: c.1228C>G, p.Pro410Ala (NM_001345950.1); short protein forms P410A, P442A.
Identifiers: ClinVar variation 4848909 (VCV004848909.1).

ClinVar aggregate classification (germline): Uncertain significance (1 of 4 stars; one submission).

gnomAD v4.1: 5 of 1,612,822 alleles (0.00031%); highest among the groups gnomAD compares: Non-Finnish European, 0.00042%; no homozygotes.

Submission:

Women's Health and Genetics/Laboratory Corporation of America, LabCorp
Classification: Uncertain significance. Last evaluated: 2026-04-28. Review status: criteria provided, single submitter. Criteria: LabCorp Variant Classification Summary - May 2015. Collection method: clinical testing. Allele origin: germline.
Comment: Variant summary: TRIM8 c.1324C>G (p.Pro442Ala) results in a non-conservative amino acid change in the encoded protein sequence. Algorithms developed to predict the effect of missense changes on protein structure and function are either unavailable or do not agree on the potential impact of this missense change. The variant allele was found at a frequency of 8.1e-06 in 247698 control chromosomes. The available data on variant occurrences in the general population are insufficient to allow any conclusion about variant significance. To our knowledge, no occurrence of c.1324C>G in individuals affected with TRIM8-related conditions and no experimental evidence demonstrating its impact on protein function have been reported. No submitters have cited clinical-significance assessments for this variant to ClinVar. Based on the evidence outlined above, the variant was classified as uncertain significance.